The following is an entry in ClinVar:

NM_001291303.3(FAT4):c.5737A>T (p.Ile1913Phe)

Gene: FAT4 (FAT atypical cadherin 4; plus strand). Cytogenetic location: 4q28.1.
Variant type: single nucleotide variant.
Coding change: c.5737A>T on transcript NM_001291303.3 (MANE Select); coding-DNA position 5737, A replaced by T.
Protein change: p.Ile1913Phe; replaces isoleucine 1913 with phenylalanine.
Molecular consequence: missense variant.
Genome position (GRCh38, 1-based): chr4:125,408,611, A>T. VCF-style: chr4-125408611-A-T. GRCh37 (hg19) VCF-style: chr4-126329766-A-T.
Other names: c.5737A>T, p.Ile1913Phe (NM_001291285.3, NM_024582.6); short protein forms I1913F.
Identifiers: ClinVar variation 2016577 (VCV002016577.4), dbSNP rs767219116, ClinGen allele CA358123475.
Genomic context (GRCh38, chr4:125,408,611, plus strand): 5'-CCTATTACTGGGGTCTTTAATTTGACTCGATTATTAGATTATGAAGTACAGCAATATTAT[A>T]TCCTCACTGTTCGAGCAGAAGATGGTGGGGGACAATTTACTACCATCAGAGTTTATTTCA-3'
Protein context (NP_001278232.1, residues 1903-1923): LLDYEVQQYY[Ile1913Phe]LTVRAEDGGG

ClinVar aggregate classification (germline): Uncertain significance (1 of 4 stars; one submission).

Submission:

Labcorp Genetics (formerly Invitae), Labcorp
Classification: Uncertain significance. Last evaluated: 2022-07-13. Review status: criteria provided, single submitter. Criteria: Invitae Variant Classification Sherloc (09022015). Collection method: clinical testing. Allele origin: germline.
Comment: This sequence change replaces isoleucine, which is neutral and non-polar, with phenylalanine, which is neutral and non-polar, at codon 1913 of the FAT4 protein (p.Ile1913Phe). This variant is not present in population databases (gnomAD no frequency). This variant has not been reported in the literature in individuals affected with FAT4-related conditions. Advanced modeling of protein sequence and biophysical properties (such as structural, functional, and spatial information, amino acid conservation, physicochemical variation, residue mobility, and thermodynamic stability) performed at Invitae indicates that this missense variant is not expected to disrupt FAT4 protein function. In summary, the available evidence is currently insufficient to determine the role of this variant in disease. Therefore, it has been classified as a Variant of Uncertain Significance.